The following is an entry in ClinVar:

ClinVar aggregate classification (germline): Pathogenic. Review status: reviewed by expert panel (3 of 4 stars). 8 submissions from 8 submitters: Pathogenic (1). 7 of the submissions do not count toward it. Last evaluated 2021-09-24.

Conditions:
CFTR-related disorder (CFTR-RD). Also called: CFTR-related disorders; CFTR-related condition. Identifiers: MedGen C5924204, MONDO:7770004.
Cystic fibrosis (CF). Also called: MUCOVISCIDOSIS. Identifiers: Orphanet 586, MedGen C0010674, MONDO:0009061, OMIM 219700. Disease mechanism: loss of function.
Congenital bilateral aplasia of vas deferens from CFTR mutation (CBAVD). Identifiers: Orphanet 48, MedGen C0403814, MONDO:0010178, OMIM 277180. Disease mechanism: loss of function.

Allele frequency attached by ClinVar (database versions not stated): TOPMed 0.00001.

Submissions (8):

CFTR2
Classification: Pathogenic for Cystic fibrosis. Last evaluated: 2021-09-24. Review status: reviewed by expert panel. Criteria: Submitter's publication and website. Collection method: research. Allele origin: germline. Affected: yes.

Natera, Inc.
Classification: Pathogenic for CFTR-related disorders. Last evaluated: 2024-11-29. Review status: criteria provided, single submitter. Criteria: Natera Variant Classification Schema (03/2026). Collection method: clinical testing. Allele origin: germline. Not counted in ClinVar's aggregate classification.
Comment: The c.1210-2A>C variant in CFTR is a canonical splice acceptor site variant predicted to affect pre-mRNA splicing, which may result in an abnormal transcript and altered protein product. This variant is expected to result in nonsense mediated decay, truncation, or a dysfunctional protein product. This variant is rare in the general population with a frequency below the threshold expected for the associated phenotype(s). This variant has been observed in one or more individuals affected with the associated recessive disease, as either homozygous or compound heterozygous with a second variant (PMID: 36437230, 7691349). Given the available evidence, this variant is classified as Pathogenic.

Johns Hopkins Genomics, Johns Hopkins University
Classification: Pathogenic for Cystic fibrosis. Last evaluated: 2022-09-06. Review status: criteria provided, single submitter. Criteria: ACMG Guidelines, 2015. Collection method: clinical testing. Allele origin: germline. Not counted in ClinVar's aggregate classification.
Comment: Disease-causing CFTR variant. See CFTR2 for phenotype information.

Institute of Human Genetics, University of Leipzig Medical Center
Classification: Pathogenic for Cystic fibrosis. Last evaluated: 2022-09-05. Review status: criteria provided, single submitter. Criteria: ACMG Guidelines, 2015. Collection method: curation. Allele origin: unknown. Affected: yes. Observed: 9 variant alleles. Not counted in ClinVar's aggregate classification.
Comment: This variant was identified in 9 unrelated patients with a clinically confirmed diagnosis of cystic fibrosis. The variant was classified in the context of a project re-classifying variants in the German Cystic Fibrosis Registry (Muko.e.V.). Criteria applied: PS3_SUP, PM2_SUP, PM3_STR, PM4, PP3, PP4

GeneDx
Classification: Likely pathogenic. Last evaluated: 2022-08-12. Review status: criteria provided, single submitter. Criteria: GeneDx Variant Classification Process June 2021. Collection method: clinical testing. Allele origin: germline. Affected: yes. Not counted in ClinVar's aggregate classification.
Comment: Canonical splice site variant expected to result in aberrant splicing, although in the absence of functional evidence the actual effect of this sequence change is unknown; Observed multiple times with a pathogenic variant in patients with cystic fibrosis in published literature, but it is not known whether the variants occurred on the same (in cis) or on different (in trans) chromosomes in some cases (Dork et al., 1993; Terlizzi et al., 2018); Not observed at significant frequency in large population cohorts (gnomAD); Also known as c.1342-2A>C; This variant is associated with the following publications: (PMID: 25525159, 35451201, 27488443, 30577776, 7691349)

ARUP Laboratories, Molecular Genetics and Genomics, ARUP Laboratories
Classification: Pathogenic. Last evaluated: 2019-06-26. Review status: criteria provided, single submitter. Criteria: ARUP Molecular Germline Variant Investigation Process. Collection method: clinical testing. Allele origin: germline. Not counted in ClinVar's aggregate classification.
Comment: The CFTR c.1210-2A>C variant (rs397508179), also known as 1342-2A>C for traditional nomenclature, is described in the literature in two siblings affected with CF who were homozygous for the variant, and in another affected individual who carried a nonsense variant on the opposite allele (Dork 1993). The c.1210-2A>C variant is absent from general population databases (Exome Variant Server, Genome Aggregation Database), indicating it is not a common polymorphism. This variant disrupts the canonical splice acceptor site, which is likely to negatively impact gene function. Based on available information, this variant is considered to be pathogenic. REFERENCES Dork T et al. Severe splice site mutation preceding exon 9 of the CFTR gene. Hum Mol Genet. 1993 Aug;2(8):1313-4.

Women's Health and Genetics/Laboratory Corporation of America, LabCorp
Classification: Pathogenic for Cystic fibrosis. Last evaluated: 2019-01-17. Review status: criteria provided, single submitter. Criteria: LabCorp Variant Classification Summary - May 2015. Collection method: clinical testing. Allele origin: germline. Not counted in ClinVar's aggregate classification.
Comment: Variant summary: CFTR c.1210-2A>C is located in a canonical splice-site and is predicted to affect mRNA splicing resulting in a significantly altered protein due to either exon skipping, shortening, or inclusion of intronic material. Several computational tools predict a significant impact on normal splicing: Five predict the variant abolishes a 3' acceptor site. However, these predictions have yet to be confirmed by functional studies. This variant was detected in two Cystic Fibrosis families from Southwest Germany. The variant was absent in 242414 control chromosomes. A peer-reviewed publication reporting the findings presented in the Sickkids database was not immediately available at the time of this classification. To our knowledge, no experimental evidence demonstrating its impact on protein function have been reported. No clinical diagnostic laboratories have submitted clinical-significance assessments for this variant to ClinVar after 2014. Based on the evidence outlined above, the variant was classified as pathogenic.

Baylor Genetics
Classification: Pathogenic for Congenital bilateral aplasia of vas deferens from CFTR mutation; Cystic fibrosis. Review status: criteria provided, single submitter. Criteria: ACMG Guidelines, 2015. Collection method: clinical testing. Allele origin: germline. Not counted in ClinVar's aggregate classification.

Literature cited by the submitters: PubMed 36437230 (cited by Natera, Inc.); PubMed 7691349 (cited by Natera, Inc.).

NM_000492.4(CFTR):c.1210-2A>C

Genes: CFTR (CF transmembrane conductance regulator; plus strand), CFTR-AS1 (CFTR antisense RNA 1; minus strand). Cytogenetic location: 7q31.2.
Variant type: single nucleotide variant.
Coding change: c.1210-2A>C on transcript NM_000492.4 (MANE Select); the canonical splice acceptor site of the intron before coding-DNA position 1210, A replaced by C.
Molecular consequence: splice acceptor variant.
Genome position (GRCh38, 1-based): chr7:117,548,639, A>C. VCF-style: chr7-117548639-A-C. GRCh37 (hg19) VCF-style: chr7-117188693-A-C.
Other names: 1342-2A->C.
Identifiers: ClinVar variation 53218 (VCV000053218.16), dbSNP rs397508179, ClinGen allele CA326438.